The following is an entry in ClinVar:

NM_001371623.1(TCOF1):c.3028A>G (p.Thr1010Ala)

Gene: TCOF1 (treacle ribosome biogenesis factor 1; plus strand). Cytogenetic location: 5q32.
Variant type: single nucleotide variant.
Coding change: c.3028A>G on transcript NM_001371623.1 (MANE Select); coding-DNA position 3028, A replaced by G.
Protein change: p.Thr1010Ala; replaces threonine 1010 with alanine.
Molecular consequence: missense variant.
Genome position (GRCh38, 1-based): chr5:150,388,070, A>G. VCF-style: chr5-150388070-A-G. GRCh37 (hg19) VCF-style: chr5-149767633-A-G.
Other names: c.2797A>G, p.Thr933Ala (NM_000356.4, NM_001135245.2); c.3028A>G, p.Thr1010Ala (NM_001135243.2, NM_001135244.2, NM_001195141.2); c.2908A>G, p.Thr970Ala (NM_001437406.1); short protein forms T1010A, T970A, T933A.
Identifiers: ClinVar variation 4712375 (VCV004712375.1).

ClinVar aggregate classification (germline): Uncertain significance (1 of 4 stars; one submission).

Conditions:
Treacher Collins syndrome 1 (TCS1). Also called: TCOF1-Related Treacher Collins Syndrome. Identifiers: Orphanet 861, MedGen CN315775, MONDO:0007944, OMIM 154500.

Submission:

Labcorp Genetics (formerly Invitae), Labcorp
Classification: Uncertain significance for Treacher Collins syndrome 1. Last evaluated: 2025-02-13. Review status: criteria provided, single submitter. Criteria: Invitae Variant Classification Sherloc (09022015). Collection method: clinical testing. Allele origin: germline.
Comment: This sequence change replaces threonine, which is neutral and polar, with alanine, which is neutral and non-polar, at codon 1010 of the TCOF1 protein (p.Thr1010Ala). This variant is not present in population databases (gnomAD no frequency). This variant has not been reported in the literature in individuals affected with TCOF1-related conditions. An algorithm developed to predict the effect of missense changes on protein structure and function (PolyPhen-2) suggests that this variant is likely to be disruptive. In summary, the available evidence is currently insufficient to determine the role of this variant in disease. Therefore, it has been classified as a Variant of Uncertain Significance.